The following is an entry in ClinVar:

NM_001852.4(COL9A2):c.1919G>A (p.Arg640Gln)

Gene: COL9A2 (collagen type IX alpha 2 chain; minus strand). Cytogenetic location: 1p34.2.
Variant type: single nucleotide variant.
Coding change: c.1919G>A on transcript NM_001852.4 (MANE Select); coding-DNA position 1919, G replaced by A.
Protein change: p.Arg640Gln; replaces arginine 640 with glutamine.
Molecular consequence: missense variant.
Genome position (GRCh38, 1-based): chr1:40,301,333, C>T on the plus strand (G>A on the coding strand, the complement: COL9A2 is on the minus strand). VCF-style: chr1-40301333-C-T. GRCh37 (hg19) VCF-style: chr1-40767005-C-T.
Other names: short protein forms R640Q.
Identifiers: ClinVar variation 1804182 (VCV001804182.6), dbSNP rs930549037, ClinGen allele CA21041057.
Genomic context (GRCh38, chr1:40,301,333, plus strand): 5'-AGCCCCACGGGGCCTGGCAGGCCAGGTCGACCTGCCTCTCCTGGAGCCCCTGGGGACCCT[C>T]GATCTCCATCCTTGCCGTTGATTGCCTGGCCAGGCCGGCCAGGGAGTCCTGTGAACAGGA-3'
Protein context (NP_001843.1, residues 630-650): GQAINGKDGD[Arg640Gln]GSPGAPGEAG

ClinVar aggregate classification (germline): Uncertain significance. Review status: criteria provided, multiple submitters, no conflicts (2 of 4 stars). 3 submissions from 3 submitters: Uncertain significance (3). Last evaluated 2026-01-02.

Conditions:
Inborn genetic diseases. Identifiers: MedGen C0950123, MeSH D030342.

Allele frequency attached by ClinVar (database versions not stated): TOPMed 0.00002; gnomAD 0.00003; gnomAD exomes 0.00006.
gnomAD v4.1: 86 of 1,610,098 alleles (0.0053%); highest among the groups gnomAD compares: Non-Finnish European, 0.0071%; no homozygotes.

Submissions (3):

Labcorp Genetics (formerly Invitae), Labcorp
Classification: Uncertain significance. Last evaluated: 2026-01-02. Review status: criteria provided, single submitter. Criteria: Invitae Variant Classification Sherloc (09022015). Collection method: clinical testing. Allele origin: germline.
Comment: This sequence change replaces arginine, which is basic and polar, with glutamine, which is neutral and polar, at codon 640 of the COL9A2 protein (p.Arg640Gln). This variant is present in population databases (no rsID available, gnomAD 0.01%). This variant has not been reported in the literature in individuals affected with COL9A2-related conditions. ClinVar contains an entry for this variant (Variation ID: 1804182). Invitae Evidence Modeling of protein sequence and biophysical properties (such as structural, functional, and spatial information, amino acid conservation, physicochemical variation, residue mobility, and thermodynamic stability) indicates that this missense variant is not expected to disrupt COL9A2 protein function with a negative predictive value of 95%. In summary, the available evidence is currently insufficient to determine the role of this variant in disease. Therefore, it has been classified as a Variant of Uncertain Significance.

Ambry Genetics
Classification: Uncertain significance for Inborn genetic diseases. Last evaluated: 2025-11-20. Review status: criteria provided, single submitter. Criteria: Ambry Variant Classification Scheme 2023. Collection method: clinical testing. Allele origin: germline.

GeneDx
Classification: Uncertain significance. Last evaluated: 2022-12-02. Review status: criteria provided, single submitter. Criteria: GeneDx Variant Classification Process June 2021. Collection method: clinical testing. Allele origin: germline. Affected: yes.
Comment: Has not been previously published as pathogenic or benign to our knowledge; In silico analysis supports that this missense variant does not alter protein structure/function